The following is an entry in ClinVar:

ClinVar aggregate classification (germline): Uncertain significance. Review status: criteria provided, multiple submitters, no conflicts (2 of 4 stars). 3 submissions from 3 submitters: Uncertain significance (3). Last evaluated 2024-10-16.

Conditions:
Cardiovascular phenotype. Identifiers: MedGen CN230736.
Brugada syndrome 3 (BRGDA3). Identifiers: Orphanet 130, MedGen C2678478, MONDO:0012742, OMIM 611875.
Long QT syndrome 8. Identifiers: MedGen CN260585, MONDO:0032756, OMIM 618447.
Timothy syndrome (TS). Also called: LONG QT SYNDROME WITH SYNDACTYLY. Identifiers: Orphanet 65283, MedGen C1832916, MeSH C536962, MONDO:0010979, OMIM 601005.
Long QT syndrome (LQTS). Identifiers: MedGen C0023976, MeSH D008133, MONDO:0002442. Disease mechanism: loss of function. Inheritance: Various modes of inheritance.

Allele frequency attached by ClinVar (database versions not stated): gnomAD exomes below 0.00001 and 0.00001; gnomAD 0.00001; TOPMed 0.00004.
gnomAD v4.1: 4 of 1,614,054 alleles (0.00025%); highest among the groups gnomAD compares: Admixed American, 0.0033%; no homozygotes.

Submissions (3):

Labcorp Genetics (formerly Invitae), Labcorp
Classification: Uncertain significance for Long QT syndrome. Last evaluated: 2024-10-16. Review status: criteria provided, single submitter. Criteria: Invitae Variant Classification Sherloc (09022015). Collection method: clinical testing. Allele origin: germline.
Comment: This sequence change falls in intron 28 of the CACNA1C gene. It does not directly change the encoded amino acid sequence of the CACNA1C protein. It affects a nucleotide within the consensus splice site. This variant is present in population databases (no rsID available, gnomAD 0.006%). This variant has not been reported in the literature in individuals affected with CACNA1C-related conditions. ClinVar contains an entry for this variant (Variation ID: 526999). Variants that disrupt the consensus splice site are a relatively common cause of aberrant splicing (PMID: 17576681, 9536098). Algorithms developed to predict the effect of sequence changes on RNA splicing suggest that this variant is not likely to affect RNA splicing. In summary, the available evidence is currently insufficient to determine the role of this variant in disease. Therefore, it has been classified as a Variant of Uncertain Significance.

Ambry Genetics
Classification: Uncertain significance for Cardiovascular phenotype. Last evaluated: 2024-10-15. Review status: criteria provided, single submitter. Criteria: Ambry Variant Classification Scheme 2023. Collection method: clinical testing. Allele origin: germline.
Comment: The c.3717+4A>G intronic variant results from an A to G substitution 4 nucleotides after coding exon 28 in the CACNA1C gene. This nucleotide position is well conserved in available vertebrate species. In silico splice site analysis predicts that this alteration will not have any significant effect on splicing. According to data from gnomAD, the frequency for this variant is above the maximum credible frequency for a cardiac disease-causing variant in this gene based on internally established thresholds (Karczewski et al.Nature. 2020 May;581(7809):434-443; Whiffin et al.Genet Med. 2017 10;19:1151-1158). Based on the supporting evidence, the association of this alteration withCACNA1C-related neurodevelopmental disorderis unknown; however, the association withCACNA1C-related long QT syndrome/Timothy syndromeis unlikely.

Fulgent Genetics
Classification: Uncertain significance for Timothy syndrome; Brugada syndrome 3; Long QT syndrome 8. Last evaluated: 2021-08-23. Review status: criteria provided, single submitter. Criteria: ACMG Guidelines, 2015. Collection method: clinical testing. Allele origin: unknown.

Literature cited by the submitters: PubMed 17576681 (cited by Labcorp Genetics (formerly Invitae), Labcorp); PubMed 9536098 (cited by Labcorp Genetics (formerly Invitae), Labcorp).

NM_000719.7(CACNA1C):c.3717+4A>G

Gene: CACNA1C (calcium voltage-gated channel subunit alpha1 C; plus strand). Cytogenetic location: 12p13.33.
Variant type: single nucleotide variant.
Coding change: c.3717+4A>G on transcript NM_000719.7 (MANE Select); 4 bases into the intron after coding-DNA position 3717, A replaced by G.
Molecular consequence: intron variant.
Genome position (GRCh38, 1-based): chr12:2,610,703, A>G. VCF-style: chr12-2610703-A-G. GRCh37 (hg19) VCF-style: chr12-2719869-A-G.
Other names: c.3717+4A>G (NM_001167624.3, NM_001167623.2, NM_001167625.2 and 15 more transcripts); c.3777+4A>G (NM_199460.4, NM_001129827.2, NM_001129832.2); c.3708+4A>G (NM_001129844.2).
Identifiers: ClinVar variation 526999 (VCV000526999.10), dbSNP rs1184709095, ClinGen allele CA603039997.